The following is an entry in ClinVar:

ClinVar aggregate classification (germline): Uncertain significance (1 of 4 stars; one submission).

Submission:

GeneDx
Classification: Uncertain significance. Last evaluated: 2024-12-11. Review status: criteria provided, single submitter. Criteria: GeneDx Variant Classification Process June 2021. Collection method: clinical testing. Allele origin: germline. Affected: yes.
Comment: Not observed at significant frequency in large population cohorts (gnomAD); In silico analysis indicates that this variant does not alter splicing; Has not been previously published as pathogenic or benign to our knowledge

NM_004999.4(MYO6):c.210A>G (p.Glu70=)

Gene: MYO6 (myosin VI; plus strand). Cytogenetic location: 6q14.1.
Variant type: single nucleotide variant.
Coding change: c.210A>G on transcript NM_004999.4 (MANE Select); coding-DNA position 210, A replaced by G.
Protein change: p.Glu70=; no amino-acid change (glutamic acid 70 retained).
Molecular consequence: synonymous variant. On other transcripts: non-coding transcript variant (2).
Genome position (GRCh38, 1-based): chr6:75,828,562, A>G. VCF-style: chr6-75828562-A-G. GRCh37 (hg19) VCF-style: chr6-76538279-A-G.
Other names: c.210A>G, p.Glu70= (NM_001300899.2, NM_001368136.1, NM_001368137.1 and 5 more transcripts).
Identifiers: ClinVar variation 3903324 (VCV003903324.1).
Genomic context (GRCh38, chr6:75,828,562, plus strand): 5'-CTTCAATTCTCTAATGACATATAAATTTTATGTCTTAGGTTCACTAATGTATTTAAATGA[A>G]GCCACACTGCTCCATAATATCAAAGTTCGATATAGTAAAGACAGAATTTATGTAAGTATT-3'
Protein context (NP_004990.3, residues 60-80): EDNCSLMYLN[Glu70=]ATLLHNIKVR